The following is an entry in ClinVar:

NM_000520.6(HEXA):c.574G>A (p.Val192Ile)

Gene: HEXA (hexosaminidase subunit alpha; minus strand). Cytogenetic location: 15q23.
Variant type: single nucleotide variant.
Coding change: c.574G>A on transcript NM_000520.6 (MANE Select); coding-DNA position 574, G replaced by A.
Protein change: p.Val192Ile; replaces valine 192 with isoleucine.
Molecular consequence: missense variant. On other transcripts: non-coding transcript variant (1).
Genome position (GRCh38, 1-based): chr15:72,351,231, C>T on the plus strand (G>A on the coding strand, the complement: HEXA is on the minus strand). VCF-style: chr15-72351231-C-T. GRCh37 (hg19) VCF-style: chr15-72643572-C-T.
Other names: c.607G>A, p.Val203Ile (NM_001318825.2); short protein forms V192I, V203I.
Identifiers: ClinVar variation 496013 (VCV000496013.10), dbSNP rs387906310, ClinGen allele CA272612867.

ClinVar aggregate classification (germline): Uncertain significance. Review status: criteria provided, multiple submitters, no conflicts (2 of 4 stars). 3 submissions from 3 submitters: Uncertain significance (2). 1 of the submissions does not count toward it. Last evaluated 2025-01-14.

Conditions:
Tay-Sachs disease (TSD). Also called: HEXA Disorders; GM2 gangliosidosis, type 1; Hexosaminidase alpha-subunit deficiency (variant B); Sphingolipidosis, Tay-Sachs; Hexosaminidase A Deficiency; HEXA DEFICIENCY. Identifiers: Orphanet 845, MedGen C0039373, MONDO:0010100, OMIM 272800.

Allele frequency attached by ClinVar (database versions not stated): gnomAD 0.00001; gnomAD exomes 0.00001; TOPMed 0.00001.
gnomAD v4.1: 9 of 1,601,090 alleles (0.00056%); highest among the groups gnomAD compares: Non-Finnish European, 0.00068%; no homozygotes.

Submissions (3):

Labcorp Genetics (formerly Invitae), Labcorp
Classification: Uncertain significance for Tay-Sachs disease. Last evaluated: 2025-01-14. Review status: criteria provided, single submitter. Criteria: Invitae Variant Classification Sherloc (09022015). Collection method: clinical testing. Allele origin: germline.
Comment: This sequence change replaces valine, which is neutral and non-polar, with isoleucine, which is neutral and non-polar, at codon 192 of the HEXA protein (p.Val192Ile). This variant is present in population databases (no rsID available, gnomAD 0.0009%). This variant has not been reported in the literature in individuals affected with HEXA-related conditions. ClinVar contains an entry for this variant (Variation ID: 496013). Invitae Evidence Modeling of protein sequence and biophysical properties (such as structural, functional, and spatial information, amino acid conservation, physicochemical variation, residue mobility, and thermodynamic stability) indicates that this missense variant is expected to disrupt HEXA protein function with a positive predictive value of 95%. In summary, the available evidence is currently insufficient to determine the role of this variant in disease. Therefore, it has been classified as a Variant of Uncertain Significance.

Women's Health and Genetics/Laboratory Corporation of America, LabCorp
Classification: Uncertain significance. Last evaluated: 2016-12-27. Review status: criteria provided, single submitter. Criteria: LabCorp Variant Classification Summary - May 2015. Collection method: clinical testing. Allele origin: germline.
Comment: Variant summary: The HEXA c.574G>A (p.Val192Ile) variant involves the alteration of a conserved nucleotide and is located in Glycoside hydrolase, catalytic domain (InterPro). 3/5 in silico tools predict a damaging outcome for this variant. However, these predictions have yet to be confirmed by functional studies. Another variant at the same residue, V192L, is an established pathogenic variant with concordant functional data (PMIDs: 8659543, 8198136, 2976595, and 1415222). Therefore the variant of interest may also be expected to impair the function of protein. This variant is absent in 121306 control chromosomes from ExAC. In literature, it has been reported in at least one brain autobiopsy sample without clear-cut information about clinical diagnosis (Clark _2015). Taken together, this variant is currently classified as Variant of Uncertain Significance.

Natera, Inc.
Classification: Uncertain significance for Tay-Sachs disease. Last evaluated: 2018-08-14. Review status: no assertion criteria provided. Collection method: clinical testing. Allele origin: germline. Not counted in ClinVar's aggregate classification.